The following is an entry in ClinVar:

NM_001378452.1(ITPR1):c.7701+3A>G

Genes: ITPR1 (inositol 1,4,5-trisphosphate receptor type 1; plus strand), LOC126806590 (MED14-independent group 3 enhancer GRCh37_chr3:4855759-4856958; plus strand). Cytogenetic location: 3p26.1.
Variant type: single nucleotide variant.
Coding change: c.7701+3A>G on transcript NM_001378452.1 (MANE Select); 3 bases into the intron after coding-DNA position 7701, A replaced by G.
Molecular consequence: intron variant.
Genome position (GRCh38, 1-based): chr3:4,814,565, A>G. VCF-style: chr3-4814565-A-G. GRCh37 (hg19) VCF-style: chr3-4856249-A-G.
Other names: c.7557+3A>G (NM_001099952.4); c.7656+3A>G (NM_001168272.2); c.7512+3A>G (NM_002222.7).
Identifiers: ClinVar variation 586056 (VCV000586056.19), dbSNP rs533303665, ClinGen allele CA2232937.

ClinVar aggregate classification (germline): Benign/Likely benign. Review status: criteria provided, multiple submitters, no conflicts (2 of 4 stars). 6 submissions from 6 submitters: Benign (3); Likely benign (2). 1 of the submissions does not count toward it. Last evaluated 2025-11-23.

Conditions:
ITPR1-related disorder. Also called: ITPR1-related condition.
Autosomal dominant cerebellar ataxia. Also called: Spinocerebellar Ataxia, Dominant. Identifiers: Orphanet 99, MedGen C4087347, MONDO:0020380.
Gillespie syndrome (GLSP). Also called: Aniridia, cerebellar ataxia, and mental deficiency; Aniridia-cerebellar ataxia-intellectual disability syndrome. Identifiers: Orphanet 1065, MedGen C0431401, MONDO:0008795, OMIM 206700.

Allele frequency attached by ClinVar (database versions not stated): gnomAD 0.00001 and 0.00019; TOPMed 0.00005; gnomAD exomes 0.00040 and 0.00084; ExAC 0.00095; 1000 Genomes Project 30x 0.00109; 1000 Genomes Project 0.00120.
gnomAD v4.1: 616 of 1,599,166 alleles (0.039%); highest among the groups gnomAD compares: South Asian, 0.64%; 8 homozygotes.

Submissions (6):

Labcorp Genetics (formerly Invitae), Labcorp
Classification: Benign. Last evaluated: 2025-11-23. Review status: criteria provided, single submitter. Criteria: Invitae Variant Classification Sherloc (09022015). Collection method: clinical testing. Allele origin: germline.

Department of Pathology and Laboratory Medicine, Sinai Health System
Classification: Likely benign for aniridia-cerebellar ataxia-intellectual disability syndrome. Last evaluated: 2022-06-29. Review status: criteria provided, single submitter. Criteria: ACMG Guidelines, 2015. Collection method: research. Allele origin: germline.

GeneDx
Classification: Likely benign. Last evaluated: 2021-01-04. Review status: criteria provided, single submitter. Criteria: GeneDx Variant Classification Process June 2021. Collection method: clinical testing. Allele origin: germline. Affected: yes.

Illumina Laboratory Services, Illumina
Classification: Benign for Spinocerebellar Ataxia, Dominant. Last evaluated: 2018-01-12. Review status: criteria provided, single submitter. Criteria: ICSL Variant Classification Criteria 13 December 2019. Collection method: clinical testing. Allele origin: germline.
Comment: This variant was observed in the ICSL laboratory as part of a predisposition screen in an ostensibly healthy population. It had not been previously curated by ICSL or reported in the Human Gene Mutation Database (HGMD: prior to June 1st, 2018), and was therefore a candidate for classification through an automated scoring system. Utilizing variant allele frequency, disease prevalence and penetrance estimates, and inheritance mode, an automated score was calculated to assess if this variant is too frequent to cause the disease. Based on the score and internal cut-off values, a variant classified as benign is not then subjected to further curation. The score for this variant resulted in a classification of benign for this disease.

Athena Diagnostics
Classification: Benign. Last evaluated: 2017-12-28. Review status: criteria provided, single submitter. Criteria: Athena Diagnostics Criteria. Collection method: clinical testing. Allele origin: germline.

PreventionGenetics, part of Exact Sciences
Classification: Likely benign for ITPR1-related condition. Last evaluated: 2024-04-23. Review status: no assertion criteria provided. Collection method: clinical testing. Allele origin: germline. Not counted in ClinVar's aggregate classification.
Comment: This variant is classified as likely benign based on ACMG/AMP sequence variant interpretation guidelines (Richards et al. 2015 PMID: 25741868, with internal and published modifications).